The following is an entry in ClinVar:

NM_000334.4(SCN4A):c.2099T>A (p.Leu700Gln)

Genes: SCN4A (sodium voltage-gated channel alpha subunit 4; minus strand), GH-LCR (growth hormone locus control region; plus strand). Cytogenetic location: 17q23.3.
Variant type: single nucleotide variant.
Coding change: c.2099T>A on transcript NM_000334.4 (MANE Select); coding-DNA position 2099, T replaced by A.
Protein change: p.Leu700Gln; replaces leucine 700 with glutamine.
Molecular consequence: missense variant.
Genome position (GRCh38, 1-based): chr17:63,957,439, A>T on the plus strand (T>A on the coding strand, the complement: SCN4A is on the minus strand). VCF-style: chr17-63957439-A-T. GRCh37 (hg19) VCF-style: chr17-62034799-A-T.
Other names: short protein forms L700Q.
Identifiers: ClinVar variation 1510637 (VCV001510637.10), dbSNP rs1909105453, ClinGen allele CA400631147.
Genomic context (GRCh38, chr17:63,957,439, plus strand): 5'-TGCATGCCCACCACGGCGAAGATGAACACGATGATAGCCAGCACCAGCGTCAGGTTACCC[A>T]GCGCCCCCACTGAATTGCCAATGATCTTGATGAGCATGTTCAGCGTTGGCCACGACTTGG-3'
Protein context (NP_000325.4, residues 690-710): IKIIGNSVGA[Leu700Gln]GNLTLVLAII

ClinVar aggregate classification (germline): Uncertain significance. Review status: criteria provided, multiple submitters, no conflicts (2 of 4 stars). 2 submissions from 2 submitters: Uncertain significance (2). Last evaluated 2026-09-29.

Conditions:
Hyperkalemic periodic paralysis. Also called: Familial hyperkalemic periodic paralysis; Gamstorp disease. Identifiers: Orphanet 682, MedGen C0238357, MONDO:0008224, OMIM 170500, HP:0007215.

Allele frequency attached by ClinVar (database versions not stated): TOPMed below 0.00001; gnomAD 0.00001.

Submissions (2):

GeneDx
Classification: Uncertain significance. Last evaluated: 2026-09-29. Review status: criteria provided, single submitter. Criteria: GeneDx Variant Classification Process June 2021. Collection method: clinical testing. Allele origin: germline.
Comment: Not observed at significant frequency in large population cohorts (gnomAD); In silico analysis supports that this missense variant has a deleterious effect on protein structure/function; Has not been previously published as pathogenic or benign to our knowledge

Labcorp Genetics (formerly Invitae), Labcorp
Classification: Uncertain significance for Hyperkalemic periodic paralysis. Last evaluated: 2022-06-20. Review status: criteria provided, single submitter. Criteria: Invitae Variant Classification Sherloc (09022015). Collection method: clinical testing. Allele origin: germline.
Comment: In summary, the available evidence is currently insufficient to determine the role of this variant in disease. Therefore, it has been classified as a Variant of Uncertain Significance. Algorithms developed to predict the effect of missense changes on protein structure and function (SIFT, PolyPhen-2, Align-GVGD) all suggest that this variant is likely to be disruptive. This variant has not been reported in the literature in individuals affected with SCN4A-related conditions. This variant is not present in population databases (gnomAD no frequency). This sequence change replaces leucine, which is neutral and non-polar, with glutamine, which is neutral and polar, at codon 700 of the SCN4A protein (p.Leu700Gln).